The following is an entry in ClinVar:

ClinVar aggregate classification (germline): Likely benign. Review status: criteria provided, multiple submitters, no conflicts (2 of 4 stars). 3 submissions from 3 submitters: Likely benign (3). Last evaluated 2025-10-02.

Conditions:
Lethal multiple pterygium syndrome (LMPS). Identifiers: Orphanet 33108, MedGen C1854678, MONDO:0009668, OMIM 253290.

Allele frequency attached by ClinVar (database versions not stated): gnomAD exomes 0.00012 and 0.00013; ExAC 0.00013; gnomAD 0.00018 and 0.00021; TOPMed 0.00024.
gnomAD v4.1: 223 of 1,613,762 alleles (0.014%); highest among the groups gnomAD compares: African/African-American, 0.039%; 1 homozygote.

Submissions (3):

Labcorp Genetics (formerly Invitae), Labcorp
Classification: Likely benign for Lethal multiple pterygium syndrome. Last evaluated: 2025-10-02. Review status: criteria provided, single submitter. Criteria: Invitae Variant Classification Sherloc (09022015). Collection method: clinical testing. Allele origin: germline.

Mayo Clinic Laboratories, Mayo Clinic
Classification: Likely benign. Last evaluated: 2025-08-13. Review status: criteria provided, single submitter. Criteria: ACMG Guidelines, 2015. Collection method: clinical testing. Allele origin: germline. Observed: 1 variant allele.
Comment: BP4, BP7

Blueprint Genetics
Classification: Likely benign. Last evaluated: 2024-07-01. Review status: criteria provided, single submitter. Criteria: ACMG Guidelines, 2015. Collection method: clinical testing. Allele origin: germline.

NM_000079.4(CHRNA1):c.513C>T (p.Tyr171=)

Gene: CHRNA1 (cholinergic receptor nicotinic alpha 1 subunit; minus strand). Cytogenetic location: 2q31.1.
Variant type: single nucleotide variant.
Coding change: c.513C>T on transcript NM_000079.4 (MANE Select); coding-DNA position 513, C replaced by T.
Protein change: p.Tyr171=; no amino-acid change (tyrosine 171 retained).
Molecular consequence: synonymous variant.
Genome position (GRCh38, 1-based): chr2:174,754,246, G>A on the plus strand (C>T on the coding strand, the complement: CHRNA1 is on the minus strand). VCF-style: chr2-174754246-G-A. GRCh37 (hg19) VCF-style: chr2-175618974-G-A.
Other names: p.Tyr171=; c.588C>T, p.Tyr196= (NM_001039523.3).
Identifiers: ClinVar variation 466180 (VCV000466180.11), dbSNP rs762327875, ClinGen allele CA1974539.